The following is an entry in ClinVar:

ClinVar aggregate classification (germline): Likely pathogenic (1 of 4 stars; one submission).

Conditions:
Dilated cardiomyopathy 1G (CMD1G). Identifiers: Orphanet 154, MedGen C1858763, MONDO:0011400, OMIM 604145.
Autosomal recessive limb-girdle muscular dystrophy type 2J (LGMDR10). Also called: Limb-girdle muscular dystrophy, type 2J; MUSCULAR DYSTROPHY, LIMB-GIRDLE, AUTOSOMAL RECESSIVE 10. Identifiers: Orphanet 140922, MedGen C1837342, MONDO:0012127, OMIM 608807.

Submission:

Labcorp Genetics (formerly Invitae), Labcorp
Classification: Likely pathogenic for Dilated cardiomyopathy 1G; Autosomal recessive limb-girdle muscular dystrophy type 2J. Last evaluated: 2024-10-29. Review status: criteria provided, single submitter. Criteria: Invitae Variant Classification Sherloc (09022015). Collection method: clinical testing. Allele origin: germline.
Comment: This sequence change creates a premature translational stop signal (p.Leu13932Serfs*27) in the TTN gene. While this is not anticipated to result in nonsense mediated decay, it is expected to create a truncated TTN protein. This variant is not present in population databases (gnomAD no frequency). This variant has not been reported in the literature in individuals affected with TTN-related conditions. ClinVar contains an entry for this variant (Variation ID: 834897). This variant is located in the I band of TTN (PMID: 25589632). Truncating variants in this region have been reported in individuals affected with autosomal recessive centronuclear myopathy (PMID: 23975875, internal data). Truncating variants in this region have also been identified in individuals affected with autosomal dominant dilated cardiomyopathy and/or cardio-related conditions (PMID: 27869827, 32964742, internal data). In summary, the currently available evidence indicates that the variant is pathogenic, but additional data are needed to prove that conclusively. Therefore, this variant has been classified as Likely Pathogenic.

Literature cited by the submitters: PubMed 25589632; PubMed 23975875; PubMed 27869827; PubMed 32964742.

NM_001267550.2(TTN):c.41794del (p.Leu13932fs)

Gene: TTN (titin; minus strand). Cytogenetic location: 2q31.2.
Variant type: Deletion.
Coding change: c.41794del on transcript NM_001267550.2 (MANE Select); coding-DNA position 41794, one base deleted (C; older notation c.41794delC).
Protein change: p.Leu13932fs; shifts the reading frame from leucine 13932.
Molecular consequence: frameshift variant.
Genome position (GRCh38, 1-based): chr2:178,635,530, G deleted on the plus strand (C on the coding strand, the reverse complement: TTN is on the minus strand); the first of 2 consecutive G bases (chr2:178,635,530-178,635,531); deleting either gives the same sequence. VCF-style (leftmost placement, unchanged base first): chr2-178635529-AG-A. GRCh37 (hg19) VCF-style: chr2-179500256-AG-A.
Other names: c.36871del, p.Leu12291fs (NM_001256850.1); c.14599del, p.Leu4867fs (NM_003319.4); c.34090del, p.Leu11364fs (NM_133378.4); c.14974del, p.Leu4992fs (NM_133432.3); c.15175del, p.Leu5059fs (NM_133437.4); short protein forms L12291fs, L4867fs, L13932fs, L4992fs, L11364fs, L5059fs.
Identifiers: ClinVar variation 834897 (VCV000834897.10), dbSNP rs2060330825, ClinGen allele CA916081351.